The following is an entry in ClinVar:

NM_003000.3(SDHB):c.287-1G>C

Gene: SDHB (succinate dehydrogenase complex iron sulfur subunit B; minus strand). Cytogenetic location: 1p36.13.
Variant type: single nucleotide variant.
Coding change: c.287-1G>C on transcript NM_003000.3 (MANE Select); the canonical splice acceptor site of the intron before coding-DNA position 287, G replaced by C.
Molecular consequence: splice acceptor variant.
Genome position (GRCh38, 1-based): chr1:17,028,737, C>G on the plus strand (G>C on the coding strand, the complement: SDHB is on the minus strand). VCF-style: chr1-17028737-C-G. GRCh37 (hg19) VCF-style: chr1-17355232-C-G.
Other names: c.287-1G>C (NM_001407361.1).
Identifiers: ClinVar variation 44642 (VCV000044642.52), dbSNP rs397516833, ClinGen allele CA015712.

ClinVar aggregate classification (germline): Pathogenic/Likely pathogenic. Review status: criteria provided, multiple submitters, no conflicts (2 of 4 stars). 13 submissions from 13 submitters: Pathogenic (10); Likely pathogenic (1). 2 of the submissions do not count toward it. Last evaluated 2026-03-16.

Conditions:
Pheochromocytoma/paraganglioma syndrome 4. Also called: SDHB-Related Hereditary Paraganglioma-Pheochromocytoma Syndrome (Paragangliomas 4); PARAGANGLIOMA, FAMILIAL MALIGNANT; PARAGANGLIOMAS, HEREDITARY EXTRAADRENAL; PHEOCHROMOCYTOMA, FAMILIAL EXTRAADRENAL; Paragangliomas 4; CAROTID BODY TUMORS AND MULTIPLE EXTRAADRENAL PHEOCHROMOCYTOMAS. Identifiers: Orphanet 29072, MedGen C1861848, MONDO:0007273, OMIM 115310.
Pheochromocytoma. Also called: MAX-Related Hereditary Paraganglioma-Pheochromocytoma Syndrome. Identifiers: Orphanet 29072, MedGen C0031511, MONDO:0008233, OMIM 171300, HP:0002666.
Gastrointestinal stromal tumor. Also called: Gastrointestinal stroma tumor; Gastrointestinal stromal tumor, somatic. Identifiers: Orphanet 44890, MedGen C0238198, MeSH D046152, MONDO:0011719, OMIM 606764, HP:0100723.
Hereditary cancer-predisposing syndrome. Also called: Tumor predisposition; Neoplastic Syndromes, Hereditary; Hereditary neoplastic syndrome; Hereditary Cancer Syndrome. Identifiers: Orphanet 140162, MedGen C0027672, MeSH D009386, MONDO:0015356.
Hereditary pheochromocytoma and paraganglioma. Also called: Hereditary paragangliomas and pheochromocytomas; Hereditary Paraganglioma-Pheochromocytoma Syndromes; Hereditary pheochromocytoma-paraganglioma. Identifiers: Orphanet 29072, MedGen C4274332, MONDO:0017366.

Submissions 1 to 8 of 13:

GeneDx
Classification: Pathogenic. Last evaluated: 2026-03-16. Review status: criteria provided, single submitter. Criteria: GeneDx Variant Classification Process June 2021. Collection method: clinical testing. Allele origin: germline. Affected: yes.
Comment: Canonical splice site variant predicted to result in a null allele in a gene for which loss of function is a known mechanism of disease; Not observed at significant frequency in large population cohorts (gnomAD); This variant is associated with the following publications: (PMID: 19618298, 30050099, 17200167, 23072324, 27549546, 27262318, 23512077, 25371406, 28374168, 28152038, 31883676, 31492822, 30787465, 34750850)

Ambry Genetics
Classification: Pathogenic for Hereditary cancer-predisposing syndrome. Last evaluated: 2025-10-01. Review status: criteria provided, single submitter. Criteria: Ambry Variant Classification Scheme 2023. Collection method: clinical testing. Allele origin: germline.
Comment: The c.287-1G>C intronic pathogenic mutation results from a G to C substitution one nucleotide upstream from coding exon 4 of the SDHB gene. This variant was reported in individuals with features consistent with SDHB-related hereditary pheochromocytoma-paraganglioma (Timmers HJ et al. J Clin Endocrinol Metab, 2007 Mar;92:779-86; Klein RD et al. Diagn Mol Pathol, 2008 Jun;17:94-100; Jafri M et al. Clin. Endocrinol. (Oxf), 2013 Jun;78:898-906; Cardaci S et al. Nat. Cell Biol., 2015 Oct;17:1317-26; Sue M et al. Eur. J. Endocrinol., 2015 Feb;172:89-95; Jochmanova I et al. J Cancer Res Clin Oncol, 2017 Aug;143:1421-1435; Del Forno B et al. Ann Thorac Surg, 2016 Sep;102:e215-e216; Richter S et al. Genet Med, 2019 Mar;21:705-717; Fishbein L et al. Ann Surg Oncol, 2013 May;20:1444-50; Mandelker D et al. NPJ Precis Oncol, 2023 Jan;7:1; Sen I et al. J Vasc Surg, 2020 May;71:1602-1612.e2; Parisien-La Salle S et al. Clin Endocrinol (Oxf), 2022 Jun;96:803-811; Ambry internal data). Other variants impacting the same acceptor site (c.287-2A>G, c.287-3C>G) have been identified in individuals with features consistent with SDHB-related hereditary pheochromocytoma-paraganglioma (Neumann HP et al. JAMA, 2004 Aug;292:943-51; D&iacute;az-Soto G et al. Med Clin (Barc), 2013 May;140:453-7; Richter S et al. Genet Med, 2019 Mar;21:705-717; Ambry internal data). This variant is considered to be rare based on population cohorts in the Genome Aggregation Database (gnomAD). This nucleotide position is highly conserved in available vertebrate species. In silico splice site analysis predicts that this alteration will weaken the native splice acceptor site. Alterations that disrupt the canonical splice site are expected to cause aberrant splicing, resulting in an abnormal protein or a transcript that is subject to nonsense-mediated mRNA decay. As such, this alteration is classified as a disease-causing mutation.

Labcorp Genetics (formerly Invitae), Labcorp
Classification: Pathogenic for Gastrointestinal stromal tumor; Pheochromocytoma/paraganglioma syndrome 4; Pheochromocytoma. Last evaluated: 2025-08-11. Review status: criteria provided, single submitter. Criteria: Invitae Variant Classification Sherloc (09022015). Collection method: clinical testing. Allele origin: germline.
Comment: This sequence change affects an acceptor splice site in intron 3 of the SDHB gene. It is expected to disrupt RNA splicing. Variants that disrupt the donor or acceptor splice site typically lead to a loss of protein function (PMID: 16199547), and loss-of-function variants in SDHB are known to be pathogenic (PMID: 19454582, 19802898). This variant is not present in population databases (gnomAD no frequency). Disruption of this splice site has been observed in individuals with paraganglioma-pheochromocytoma syndromes (PMID: 17200167, 18382370, 19454582, 27549546, 30050099, 34750850; internal data). This variant is also known as IVS3-1 G>C. ClinVar contains an entry for this variant (Variation ID: 44642). Studies have shown that disruption of this splice site is associated with inconclusive levels of altered splicing (internal data). For these reasons, this variant has been classified as Pathogenic.

3billion
Classification: Pathogenic for Pheochromocytoma/paraganglioma syndrome 4. Last evaluated: 2025-07-08. Review status: criteria provided, single submitter. Criteria: ACMG Guidelines, 2015. Collection method: clinical testing. Allele origin: germline. Affected: yes.
Comment: The variant is not observed in the gnomAD v4.1.0 dataset. Predicted Consequence/Location: Canonical splice site: predicted to alter splicing and result in a loss or disruption of normal protein function. Multiple pathogenic loss-of-function variants are reported downstream of the variant. In silico tools predict the variant to alter splicing and produce an abnormal transcript [SpliceAI: 0.95 (spliceogenicity >=0.2, non-spliceogenicity <0.1)]. The variant has been reported at least twice as pathogenic with clinical assertions and evidence for the classification (ClinVar ID: VCV000044642 /PMID: 17200167). Therefore, this variant is classified as Pathogenic according to the recommendation of ACMG/AMP guideline.

Myriad Genetics, Inc.
Classification: Pathogenic for Pheochromocytoma/paraganglioma syndrome 4. Last evaluated: 2024-04-02. Review status: criteria provided, single submitter. Criteria: Myriad Autosomal Dominant, Autosomal Recessive and X-Linked Classification Criteria (2023). Collection method: clinical testing. Allele origin: unknown.
Comment: This variant is considered pathogenic. This variant occurs within a consensus splice junction and is predicted to result in abnormal mRNA splicing of either an out-of-frame exon or an in-frame exon necessary for protein stability and/or normal function. This variant has been reported in multiple individuals with clinical features of gene-specific disease [PMID: 30050099, 31883676, 32035780, 31492822, 35460558].

Color Diagnostics, LLC DBA Color Health
Classification: Pathogenic for Hereditary pheochromocytoma and paraganglioma. Last evaluated: 2024-03-12. Review status: criteria provided, single submitter. Criteria: ACMG Guidelines, 2015. Collection method: clinical testing. Allele origin: germline.
Comment: This variant causes a G>C nucleotide substitution at the -1 position of intron 3 of the SDHB gene. Splice site prediction tools suggest that this variant may have a significant impact on RNA splicing. Although this prediction has not been confirmed in published RNA studies, this variant is expected to result in an absent or disrupted protein product. This variant has been reported in numerous individuals affected with paraganglioma, pheochromocytoma, and/or gastrointestinal stromal tumors (PMID: 17200167, 18382370, 19618298, 23072324, 23512077, 25371406, 27262318, 27549546, 28179334, 28374168, 29386252, 29623478, 30050099, 30201732, 31883676, 32035780, 36593350, 36786389). This variant has not been identified in the general population by the Genome Aggregation Database (gnomAD). Loss of SDHB function is a known mechanism of disease. Based on the available evidence, this variant is classified as Pathogenic.

All of Us Research Program, National Institutes of Health
Classification: Pathogenic for Hereditary pheochromocytoma and paraganglioma. Last evaluated: 2024-01-04. Review status: criteria provided, single submitter. Criteria: ACMG Guidelines, 2015. Collection method: clinical testing. Allele origin: germline. Inheritance: Autosomal dominant inheritance. Observed: 2 variant alleles, 2 heterozygotes.
Comment: This variant disrupts a canonical splice site and is predicted to result in abnormal splicing. Aberrant splicing and/or loss of function is an established mechanism of disease. This prediction has not been confirmed by functional studies. A different variant at the same splice site has been reported in association with disease and is independently classified as likely pathogenic or pathogenic. This variant has been reported in multiple individuals with paraganglioma (PMID: 17200167, 18382370, 23072324, 25371406, 36786389, 28179334, 27549546, 30050099, 28374168, 36387130). This variant is absent from large population databases, including the Genome Aggregation Database.

This study involves interpretation of variants in research participants for the purpose of population health screening. Participant phenotype was not available at the time of variant classification. Additional details can be found in publication PMID: 35346344, PMCID: PMC8962531

CeGaT Center for Human Genetics Tuebingen
Classification: Pathogenic. Last evaluated: 2023-10-01. Review status: criteria provided, single submitter. Criteria: CeGaT Center For Human Genetics Tuebingen Variant Classification Criteria Version 2. Collection method: clinical testing. Allele origin: germline. Affected: yes. Observed: 1 variant allele.
Comment: SDHB: PVS1, PM2